The following is an entry in ClinVar:

NM_198578.4(LRRK2):c.593A>C (p.Glu198Ala)

Gene: LRRK2 (leucine rich repeat kinase 2; plus strand). Cytogenetic location: 12q12.
Variant type: single nucleotide variant.
Coding change: c.593A>C on transcript NM_198578.4 (MANE Select); coding-DNA position 593, A replaced by C.
Protein change: p.Glu198Ala; replaces glutamic acid 198 with alanine.
Molecular consequence: missense variant.
Genome position (GRCh38, 1-based): chr12:40,240,504, A>C. VCF-style: chr12-40240504-A-C. GRCh37 (hg19) VCF-style: chr12-40634306-A-C.
Other names: short protein forms E198A.
Identifiers: ClinVar variation 3540654 (VCV003540654.1).

ClinVar aggregate classification (germline): Uncertain significance (1 of 4 stars; one submission).

Conditions:
Inborn genetic diseases. Identifiers: MedGen C0950123, MeSH D030342.

Submission:

Ambry Genetics
Classification: Uncertain significance for Inborn genetic diseases. Last evaluated: 2024-09-01. Review status: criteria provided, single submitter. Criteria: Ambry Variant Classification Scheme 2023. Collection method: clinical testing. Allele origin: germline.
Comment: The p.E198A variant (also known as c.593A>C), located in coding exon 6 of the LRRK2 gene, results from an A to C substitution at nucleotide position 593. The glutamic acid at codon 198 is replaced by alanine, an amino acid with dissimilar properties. This amino acid position is conserved. In addition, the in silico prediction for this alteration is inconclusive. Based on the available evidence, the clinical significance of this variant remains unclear.